The following is an entry in ClinVar:

NM_001035.3(RYR2):c.1218G>C (p.Ser406=)

Gene: RYR2 (ryanodine receptor 2; plus strand). Cytogenetic location: 1q43.
Variant type: single nucleotide variant.
Coding change: c.1218G>C on transcript NM_001035.3 (MANE Select); coding-DNA position 1218, G replaced by C.
Protein change: p.Ser406=; no amino-acid change (serine 406 retained).
Molecular consequence: synonymous variant.
Genome position (GRCh38, 1-based): chr1:237,445,448, G>C. VCF-style: chr1-237445448-G-C. GRCh37 (hg19) VCF-style: chr1-237608748-G-C.
Identifiers: ClinVar variation 1106612 (VCV001106612.13), dbSNP rs147389346, ClinGen allele CA085142.
Genomic context (GRCh38, chr1:237,445,448, plus strand): 5'-TGCTTTCTTACAGGCTATTATGCATCATGAAGGCCACATGGATGATGGCATAAGTTTGTC[G>C]AGATCCCAGCATGAAGAATCACGCACAGCCCGAGTTATCCGGAGCACAGTCTTCCTTTTC-3'
Protein context (NP_001026.2, residues 396-416): EGHMDDGISL[Ser406=]RSQHEESRTA

ClinVar aggregate classification (germline): Likely benign. Review status: criteria provided, multiple submitters, no conflicts (2 of 4 stars). 3 submissions from 3 submitters: Likely benign (3). Last evaluated 2026-01-26.

Conditions:
Catecholaminergic polymorphic ventricular tachycardia (CVPT). Also called: Catecholamine-induced polymorphic ventricular tachycardia. Identifiers: Orphanet 3286, MedGen C5574922, MONDO:0017990.
Catecholaminergic polymorphic ventricular tachycardia 1. Also called: RYR2-Related Catecholaminergic Polymorphic Ventricular Tachycardia; VENTRICULAR TACHYCARDIA, CATECHOLAMINERGIC POLYMORPHIC, 1, WITH OR WITHOUT ATRIAL DYSFUNCTION AND/OR DILATED CARDIOMYOPATHY; VENTRICULAR TACHYCARDIA, STRESS-INDUCED POLYMORPHIC 1. Identifiers: Orphanet 3286, MedGen C1631597, MONDO:0011484, OMIM 604772.
Cardiomyopathy (CMYO). Also called: Cardiomyopathies. Identifiers: Orphanet 167848, MedGen C0878544, MONDO:0004994, HP:0001638. Inheritance: Various modes of inheritance.

gnomAD v4.1: 3 of 1,613,530 alleles (0.00019%); highest among the groups gnomAD compares: Admixed American, 0.0033%; no homozygotes.

Submissions (3):

Labcorp Genetics (formerly Invitae), Labcorp
Classification: Likely benign for Catecholaminergic polymorphic ventricular tachycardia 1. Last evaluated: 2026-01-26. Review status: criteria provided, single submitter. Criteria: Invitae Variant Classification Sherloc (09022015). Collection method: clinical testing. Allele origin: germline.

All of Us Research Program, National Institutes of Health
Classification: Likely benign for Catecholaminergic polymorphic ventricular tachycardia. Last evaluated: 2023-12-13. Review status: criteria provided, single submitter. Criteria: ACMG Guidelines, 2015. Collection method: clinical testing. Allele origin: germline. Inheritance: Autosomal dominant inheritance. Observed: 3 variant alleles, 3 heterozygotes.
Comment: This study involves interpretation of variants in research participants for the purpose of population health screening. Participant phenotype was not available at the time of variant classification. Additional details can be found in publication PMID: 35346344, PMCID: PMC8962531

Color Diagnostics, LLC DBA Color Health
Classification: Likely benign for Cardiomyopathy. Last evaluated: 2021-01-05. Review status: criteria provided, single submitter. Criteria: ACMG Guidelines, 2015. Collection method: clinical testing. Allele origin: germline.